The following is an entry in ClinVar:

ClinVar aggregate classification (germline): Uncertain significance (1 of 4 stars; one submission).

Submission:

GeneDx
Classification: Uncertain significance. Last evaluated: 2026-01-16. Review status: criteria provided, single submitter. Criteria: GeneDx Variant Classification Process June 2021. Collection method: clinical testing. Allele origin: germline.
Comment: Not observed at significant frequency in large population cohorts (gnomAD); In silico analysis indicates that this missense variant does not alter protein structure/function; Has not been previously published as pathogenic or benign to our knowledge

NM_000540.3(RYR1):c.2282G>A (p.Cys761Tyr)

Gene: RYR1 (ryanodine receptor 1; plus strand). Cytogenetic location: 19q13.2.
Variant type: single nucleotide variant.
Coding change: c.2282G>A on transcript NM_000540.3 (MANE Select); coding-DNA position 2282, G replaced by A.
Protein change: p.Cys761Tyr; replaces cysteine 761 with tyrosine.
Molecular consequence: missense variant.
Genome position (GRCh38, 1-based): chr19:38,459,260, G>A. VCF-style: chr19-38459260-G-A. GRCh37 (hg19) VCF-style: chr19-38949900-G-A.
Other names: c.2282G>A, p.Cys761Tyr (NM_001042723.2); short protein forms C761Y.
Identifiers: ClinVar variation 3900440 (VCV003900440.2).